The following is an entry in ClinVar:

NM_006031.6(PCNT):c.161G>A (p.Ser54Asn)

Genes: PCNT (pericentrin; plus strand), LOC128092249 (uncharacterized LOC128092249; plus strand). Cytogenetic location: 21q22.3.
Variant type: single nucleotide variant.
Coding change: c.161G>A on transcript NM_006031.6 (MANE Select); coding-DNA position 161, G replaced by A.
Protein change: p.Ser54Asn; replaces serine 54 with asparagine.
Molecular consequence: missense variant. On other transcripts: 5 prime UTR variant (1).
Genome position (GRCh38, 1-based): chr21:46,326,483, G>A. VCF-style: chr21-46326483-G-A. GRCh37 (hg19) VCF-style: chr21-47746397-G-A.
Other names: c.196G>A, p.Val66Ile (NM_001414902.1); c.-194G>A (NM_001315529.2); short protein forms V66I, S54N.
Identifiers: ClinVar variation 2116128 (VCV002116128.5), dbSNP rs2517877733, ClinGen allele CA410556466.

ClinVar aggregate classification (germline): Uncertain significance (1 of 4 stars; one submission).

Allele frequency attached by ClinVar (database versions not stated): gnomAD exomes below 0.00001.
gnomAD v4.1: 1 of 1,614,228 alleles (0.000062%); highest among the groups gnomAD compares: Non-Finnish European, 0.000085%; no homozygotes.

Submission:

Labcorp Genetics (formerly Invitae), Labcorp
Classification: Uncertain significance. Last evaluated: 2022-03-23. Review status: criteria provided, single submitter. Criteria: Invitae Variant Classification Sherloc (09022015). Collection method: clinical testing. Allele origin: germline.
Comment: In summary, the available evidence is currently insufficient to determine the role of this variant in disease. Therefore, it has been classified as a Variant of Uncertain Significance. Algorithms developed to predict the effect of missense changes on protein structure and function output the following: SIFT: "Tolerated"; PolyPhen-2: "Possibly Damaging"; Align-GVGD: "Class C0". The asparagine amino acid residue is found in multiple mammalian species, which suggests that this missense change does not adversely affect protein function. This variant has not been reported in the literature in individuals affected with PCNT-related conditions. This variant is not present in population databases (gnomAD no frequency). This sequence change replaces serine, which is neutral and polar, with asparagine, which is neutral and polar, at codon 54 of the PCNT protein (p.Ser54Asn).